The following is an entry in ClinVar:

ClinVar aggregate classification (germline): Benign. Review status: criteria provided, multiple submitters, no conflicts (2 of 4 stars). 3 submissions from 3 submitters: Benign (2). 1 of the submissions does not count toward it. Last evaluated 2020-07-11.

Conditions:
TET3-related disorder. Also called: TET3-related condition; TET3-Related Disease.

Allele frequency attached by ClinVar (database versions not stated): 1000 Genomes Project 0.02436; 1000 Genomes Project 30x 0.02452; TOPMed 0.04020; gnomAD 0.04131 and 0.04165; ESP Exome Variant Server 0.04203; ExAC 0.04280; gnomAD exomes 0.04384.

Submissions (3):

GeneDx
Classification: Benign. Last evaluated: 2020-07-11. Review status: criteria provided, single submitter. Criteria: GeneDx Variant Classification Process June 2021. Collection method: clinical testing. Allele origin: germline. Affected: yes.

Breakthrough Genomics
Classification: Benign. Review status: criteria provided, single submitter. Criteria: ACMG Guidelines, 2015. Collection method: not provided. Allele origin: germline. Inheritance: Autosomal dominant inheritance. Affected: yes.

PreventionGenetics, part of Exact Sciences
Classification: Benign for TET3-related condition. Last evaluated: 2020-02-07. Review status: no assertion criteria provided. Collection method: clinical testing. Allele origin: germline. Not counted in ClinVar's aggregate classification.
Comment: This variant is classified as benign based on ACMG/AMP sequence variant interpretation guidelines (Richards et al. 2015 PMID: 25741868, with internal and published modifications).

NM_001287491.2(TET3):c.1285C>T (p.Pro429Ser)

Gene: TET3 (tet methylcytosine dioxygenase 3; plus strand). Cytogenetic location: 2p13.1.
Variant type: single nucleotide variant.
Coding change: c.1285C>T on transcript NM_001287491.2 (MANE Select); coding-DNA position 1285, C replaced by T.
Protein change: p.Pro429Ser; replaces proline 429 with serine.
Molecular consequence: missense variant.
Genome position (GRCh38, 1-based): chr2:74,047,202, C>T. VCF-style: chr2-74047202-C-T. GRCh37 (hg19) VCF-style: chr2-74274329-C-T.
Other names: c.1006C>T, p.Pro336Ser (NM_001366022.1); short protein forms P336S, P429S.
Identifiers: ClinVar variation 1260121 (VCV001260121.5), dbSNP rs61741171, ClinGen allele CA1718568.